The following is an entry in ClinVar:

NM_004064.5(CDKN1B):c.18_23delinsT (p.Ser7fs)

Gene: CDKN1B (cyclin dependent kinase inhibitor 1B; plus strand). Cytogenetic location: 12p13.1.
Variant type: Indel.
Coding change: c.18_23delinsT on transcript NM_004064.5 (MANE Select); coding-DNA positions 18 to 23, GTCTAA replaced by T.
Protein change: p.Ser7fs; shifts the reading frame from serine 7.
Molecular consequence: frameshift variant.
Genome position (GRCh38, 1-based): chr12:12,717,857-12,717,862, GTCTAA replaced by T. VCF-style: chr12-12717857-GTCTAA-T. GRCh37 (hg19) VCF-style: chr12-12870791-GTCTAA-T.
Other names: short protein forms S7fs.
Identifiers: ClinVar variation 2576587 (VCV002576587.2), dbSNP rs2497403627, ClinGen allele CA2580615135.
Genomic context (GRCh38, chr12:12,717,857, plus strand): 5'-TTTGAGAGTGCGAGAGAGGCGGTCGTGCAGACCCGGGAGAAAGATGTCAAACGTGCGAGT[GTCTAA>T]CGGGAGCCCTAGCCTGGAGCGGATGGACGCCAGGCAGGCGGAGCACCCCAAGCCCTCGGC-3'

ClinVar aggregate classification (germline): Likely pathogenic (1 of 4 stars; one submission).

Conditions:
Multiple endocrine neoplasia type 4. Also called: MULTIPLE ENDOCRINE NEOPLASIA, TYPE IV. Identifiers: Orphanet 276152, MedGen C1970712, MONDO:0012552, OMIM 610755.

Submission:

Institute of Human Genetics, University of Leipzig Medical Center
Classification: Likely pathogenic for Multiple endocrine neoplasia type 4. Last evaluated: 2023-07-20. Review status: criteria provided, single submitter. Criteria: ACMG Guidelines, 2015. Collection method: clinical testing. Allele origin: unknown. Inheritance: Autosomal dominant inheritance. Affected: yes.
Comment: Criteria applied: PVS1, PM2_sup